The following is an entry in ClinVar:

ClinVar aggregate classification (germline): Uncertain significance (1 of 4 stars; one submission).

Allele frequency attached by ClinVar (database versions not stated): gnomAD exomes 0.00004 and 0.00009; ExAC 0.00011; gnomAD 0.00030 and 0.00034; 1000 Genomes Project 30x 0.00031; ESP Exome Variant Server 0.00032; 1000 Genomes Project 0.00040; TOPMed 0.00040.
gnomAD v4.1: 104 of 1,594,378 alleles (0.0065%); highest among the groups gnomAD compares: African/African-American, 0.11%; no homozygotes.

Submission:

Labcorp Genetics (formerly Invitae), Labcorp
Classification: Uncertain significance. Last evaluated: 2025-02-03. Review status: criteria provided, single submitter. Criteria: Invitae Variant Classification Sherloc (09022015). Collection method: clinical testing. Allele origin: germline.
Comment: This sequence change replaces arginine, which is basic and polar, with tryptophan, which is neutral and slightly polar, at codon 629 of the MYO18B protein (p.Arg629Trp). This variant is present in population databases (rs377088302, gnomAD 0.1%). This variant has not been reported in the literature in individuals affected with MYO18B-related conditions. ClinVar contains an entry for this variant (Variation ID: 1361827). An algorithm developed to predict the effect of missense changes on protein structure and function outputs the following: PolyPhen-2: "Benign". The tryptophan amino acid residue is found in multiple mammalian species, which suggests that this missense change does not adversely affect protein function. In summary, the available evidence is currently insufficient to determine the role of this variant in disease. Therefore, it has been classified as a Variant of Uncertain Significance.

NM_032608.7(MYO18B):c.1885C>T (p.Arg629Trp)

Gene: MYO18B (myosin XVIIIB; plus strand). Cytogenetic location: 22q12.1.
Variant type: single nucleotide variant.
Coding change: c.1885C>T on transcript NM_032608.7 (MANE Select); coding-DNA position 1885, C replaced by T.
Protein change: p.Arg629Trp; replaces arginine 629 with tryptophan.
Molecular consequence: missense variant.
Genome position (GRCh38, 1-based): chr22:25,777,598, C>T. VCF-style: chr22-25777598-C-T. GRCh37 (hg19) VCF-style: chr22-26173565-C-T.
Other names: c.1885C>T, p.Arg629Trp (NM_001318245.2); short protein forms R629W.
Identifiers: ClinVar variation 1361827 (VCV001361827.4), dbSNP rs377088302, ClinGen allele CA10159998.